The following is an entry in ClinVar:

NM_000059.4(BRCA2):c.7805+4C>A

Gene: BRCA2 (BRCA2 DNA repair associated; plus strand). Cytogenetic location: 13q13.1.
Variant type: single nucleotide variant.
Coding change: c.7805+4C>A on transcript NM_000059.4 (MANE Select); 4 bases into the intron after coding-DNA position 7805, C replaced by A.
Molecular consequence: intron variant.
Genome position (GRCh38, 1-based): chr13:32,357,933, C>A. VCF-style: chr13-32357933-C-A. GRCh37 (hg19) VCF-style: chr13-32932070-C-A.
Identifiers: ClinVar variation 827265 (VCV000827265.11), dbSNP rs769367815, ClinGen allele CA915946878.

ClinVar aggregate classification (germline): Conflicting classifications of pathogenicity. Review status: criteria provided, conflicting classifications (1 of 4 stars). 5 submissions from 5 submitters: Uncertain significance (3); Benign (1); Likely benign (1). Last evaluated 2026-04-03.

Conditions:
Familial cancer of breast. Also called: Hereditary breast cancer; hereditary breast carcinoma; BREAST CANCER, FAMILIAL. Identifiers: Orphanet 227535, MedGen C0346153, MONDO:0016419, OMIM 114480. Disease mechanism: loss of function.
Breast-ovarian cancer, familial, susceptibility to, 2 (BROVCA2). Also called: BRCA2 Hereditary Breast and Ovarian Cancer. Identifiers: Orphanet 145, MedGen C2675520, MONDO:0012933, OMIM 612555. Disease mechanism: loss of function.
Medulloblastoma (MDB). Also called: MEDULLOBLASTOMA PREDISPOSITION SYNDROME; Medulloblastoma, somatic. Identifiers: Orphanet 616, MedGen C0025149, MeSH D008527, MONDO:0007959, OMIM 155255, HP:0002885.
Wilms tumor 1 (WT1). Also called: Wilms tumor, somatic. Identifiers: Orphanet 654, MedGen CN033288, MONDO:0008679, OMIM 194070.
Fanconi anemia complementation group D1. Also called: BRCA2-Related Fanconi Anemia. Identifiers: Orphanet 319462, MedGen C1838457, MONDO:0011584, OMIM 605724.
Pancreatic cancer, susceptibility to, 2. Identifiers: Orphanet 1333, MedGen C3150546, MONDO:0013235, OMIM 613347.
Glioma susceptibility 3 (GLM3). Also called: Glioblastoma 3. Identifiers: Orphanet 182067, Orphanet 360, MedGen C2751641, MONDO:0013093, OMIM 613029.
Familial prostate cancer. Also called: Hereditary Prostate Cancer. Identifiers: MedGen C2931456, MONDO:0700275, OMIM 176807.
Hereditary cancer-predisposing syndrome. Also called: Hereditary Cancer Syndrome; Hereditary neoplastic syndrome; Neoplastic Syndromes, Hereditary; Tumor predisposition. Identifiers: Orphanet 140162, MedGen C0027672, MeSH D009386, MONDO:0015356.

Submissions (5):

Ambry Genetics
Classification: Benign for Hereditary cancer-predisposing syndrome. Last evaluated: 2026-04-03. Review status: criteria provided, single submitter. Criteria: Ambry Variant Classification Scheme 2023. Collection method: clinical testing. Allele origin: germline.

Women's Health and Genetics/Laboratory Corporation of America, LabCorp
Classification: Uncertain significance. Last evaluated: 2024-12-12. Review status: criteria provided, single submitter. Criteria: LabCorp Variant Classification Summary - May 2015. Collection method: clinical testing. Allele origin: germline.

Department of Pathology and Laboratory Medicine, Sinai Health System
Classification: Uncertain significance for Familial cancer of breast; Medulloblastoma; Familial prostate cancer; Wilms tumor 1; Fanconi anemia complementation group D1; Breast-ovarian cancer, familial, susceptibility to, 2; Glioma susceptibility 3; Pancreatic cancer, susceptibility to, 2. Last evaluated: 2023-10-11. Review status: criteria provided, single submitter. Criteria: ACMG Guidelines, 2015. Collection method: clinical testing. Allele origin: germline. Affected: yes.

Color Diagnostics, LLC DBA Color Health
Classification: Uncertain significance for Hereditary cancer-predisposing syndrome. Last evaluated: 2022-02-28. Review status: criteria provided, single submitter. Criteria: ACMG Guidelines, 2015. Collection method: clinical testing. Allele origin: germline.
Comment: This variant causes a C to A nucleotide substitution at the +4 position of intron 16 of the BRCA2 gene. To our knowledge, RNA studies have not been reported for this variant. This variant has not been reported in individuals affected with hereditary cancer in the literature. This variant has not been identified in the general population by the Genome Aggregation Database (gnomAD). The available evidence is insufficient to determine the role of this variant in disease conclusively. Therefore, this variant is classified as a Variant of Uncertain Significance.

GeneDx
Classification: Likely benign. Last evaluated: 2018-11-01. Review status: criteria provided, single submitter. Criteria: GeneDx Variant Classification Process June 2021. Collection method: clinical testing. Allele origin: germline. Affected: yes.

Literature cited by the submitters: PubMed 39779848 (cited by Ambry Genetics); PubMed 39779857 (cited by Ambry Genetics).